The following is an entry in ClinVar:

NM_001127649.3(PEX26):c.829C>G (p.Leu277Val)

Gene: PEX26 (peroxisomal biogenesis factor 26; plus strand). Cytogenetic location: 22q11.21.
Variant type: single nucleotide variant.
Coding change: c.829C>G on transcript NM_001127649.3 (MANE Select); coding-DNA position 829, C replaced by G.
Protein change: p.Leu277Val; replaces leucine 277 with valine.
Molecular consequence: missense variant.
Genome position (GRCh38, 1-based): chr22:18,087,986, C>G. VCF-style: chr22-18087986-C-G. GRCh37 (hg19) VCF-style: chr22-18570752-C-G.
Other names: c.682C>G, p.Leu228Val (NM_001199319.2); c.829C>G, p.Leu277Val (NM_017929.6); short protein forms L228V, L277V.
Identifiers: ClinVar variation 4996691 (VCV004996691.1).

ClinVar aggregate classification (germline): Uncertain significance (1 of 4 stars; one submission).

Conditions:
PEX26-related disorder. Also called: PEX26-related condition.

Submission:

PreventionGenetics, part of Exact Sciences
Classification: Uncertain significance for PEX26-related condition. Last evaluated: 2026-07-05. Review status: criteria provided, single submitter. Criteria: ACMG Guidelines, 2015. Collection method: clinical testing. Allele origin: germline.
Comment: The PEX26 c.829C>G variant is predicted to result in the amino acid substitution p.Leu277Val. To our knowledge, this variant has not been reported in the literature or in a large population database (gnomAD), indicating this variant is rare. At this time, the clinical significance of this variant is uncertain due to the absence of conclusive functional and genetic evidence.